The following is an entry in ClinVar:

ClinVar aggregate classification (germline): Benign (1 of 4 stars; one submission).

Allele frequency attached by ClinVar (database versions not stated): ESP Exome Variant Server 0.08708; ExAC 0.09583; 1000 Genomes Project 0.12300; 1000 Genomes Project 30x 0.12992; TOPMed 0.13045.
gnomAD v4.1: 148,395 of 1,550,082 alleles (9.6%); highest among the groups gnomAD compares: African/African-American, 19%; 8,227 homozygotes.

Submission:

Unidad de Genómica Garrahan, Hospital de Pediatría Garrahan
Classification: Benign. Last evaluated: 2023-11-12. Review status: criteria provided, single submitter. Criteria: ACMG Guidelines, 2015. Collection method: clinical testing. Allele origin: germline. Affected: no. Observed: 23 variant alleles.
Comment: This variant is classified as Benign based on local population frequency. This variant was detected in 24% of patients studied by a panel of primary immunodeficiencies. Number of patients: 23. Only high quality variants are reported.

NM_001013838.3(CARMIL2):c.1919+42C>G

Gene: CARMIL2 (capping protein regulator and myosin 1 linker 2; plus strand). Cytogenetic location: 16q22.1.
Variant type: single nucleotide variant.
Coding change: c.1919+42C>G on transcript NM_001013838.3 (MANE Select); 42 bases into the intron after coding-DNA position 1919, C replaced by G.
Molecular consequence: intron variant.
Genome position (GRCh38, 1-based): chr16:67,649,661, C>G. VCF-style: chr16-67649661-C-G. GRCh37 (hg19) VCF-style: chr16-67683564-C-G.
Other names: c.1811+42C>G (NM_001317026.3).
Identifiers: ClinVar variation 2628265 (VCV002628265.2), dbSNP rs76841123, ClinGen allele CA8113606.